The following is an entry in ClinVar:

ClinVar aggregate classification (germline): Conflicting classifications of pathogenicity. Review status: criteria provided, conflicting classifications (1 of 4 stars). 7 submissions from 7 submitters: Uncertain significance (1); Benign (2); Likely benign (2). 2 of the submissions do not count toward it. Last evaluated 2025-12-16.

Conditions:
COL4A2-related disorder. Also called: COL4A2-related disorders; COL4A2-related condition.
Inborn genetic diseases. Identifiers: MedGen C0950123, MeSH D030342.
Brain small vessel disease 2A, autosomal dominant. Also called: Porencephaly 2. Identifiers: Orphanet 2940, Orphanet 99810, MedGen C3280970, MONDO:0013773, OMIM 614483.

Allele frequency attached by ClinVar (database versions not stated): ESP Exome Variant Server 0.00008; ExAC 0.00011; gnomAD 0.00012 and 0.00013; gnomAD exomes 0.00012 and 0.00019; TOPMed 0.00017; 1000 Genomes Project 0.00020; 1000 Genomes Project 30x 0.00031.
gnomAD v4.1: 205 of 1,613,458 alleles (0.013%); highest among the groups gnomAD compares: Middle Eastern, 0.18%; 1 homozygote.

Submissions (7):

Labcorp Genetics (formerly Invitae), Labcorp
Classification: Benign. Last evaluated: 2025-12-16. Review status: criteria provided, single submitter. Criteria: Invitae Variant Classification Sherloc (09022015). Collection method: clinical testing. Allele origin: germline.

PreventionGenetics, part of Exact Sciences
Classification: Likely benign for COL4A2-related condition. Last evaluated: 2024-12-20. Review status: criteria provided, single submitter. Criteria: ACMG Guidelines, 2015. Collection method: clinical testing. Allele origin: germline.
Comment: This variant is classified as likely benign based on ACMG/AMP sequence variant interpretation guidelines (Richards et al. 2015 PMID: 25741868, with internal and published modifications).

Blueprint Genetics
Classification: Likely benign. Last evaluated: 2024-11-20. Review status: criteria provided, single submitter. Criteria: ACMG Guidelines, 2015. Collection method: clinical testing. Allele origin: germline.

Ambry Genetics
Classification: Uncertain significance for Inborn genetic diseases. Last evaluated: 2021-04-20. Review status: criteria provided, single submitter. Criteria: Ambry Variant Classification Scheme 2023. Collection method: clinical testing. Allele origin: germline.

Illumina Laboratory Services, Illumina
Classification: Benign for Brain small vessel disease 2A, autosomal dominant. Last evaluated: 2018-01-12. Review status: criteria provided, single submitter. Criteria: ICSL Variant Classification Criteria 13 December 2019. Collection method: clinical testing. Allele origin: germline.
Comment: This variant was observed in the ICSL laboratory as part of a predisposition screen in an ostensibly healthy population. It had not been previously curated by ICSL or reported in the Human Gene Mutation Database (HGMD: prior to June 1st, 2018), and was therefore a candidate for classification through an automated scoring system. Utilizing variant allele frequency, disease prevalence and penetrance estimates, and inheritance mode, an automated score was calculated to assess if this variant is too frequent to cause the disease. Based on the score and internal cut-off values, a variant classified as benign is not then subjected to further curation. The score for this variant resulted in a classification of benign for this disease.

Clinical Genetics DNA and cytogenetics Diagnostics Lab, Erasmus MC, Erasmus Medical Center
Classification: Uncertain significance. Review status: no assertion criteria provided. Collection method: clinical testing. Allele origin: germline. Affected: yes. Study: VKGL Data-share Consensus. Not counted in ClinVar's aggregate classification.

Laboratory of Diagnostic Genome Analysis, Leiden University Medical Center (LUMC)
Classification: Uncertain significance. Review status: no assertion criteria provided. Collection method: clinical testing. Allele origin: germline. Affected: yes. Study: VKGL Data-share Consensus. Not counted in ClinVar's aggregate classification.

NM_001846.4(COL4A2):c.4985G>A (p.Arg1662His)

Gene: COL4A2 (collagen type IV alpha 2 chain; plus strand). Cytogenetic location: 13q34.
Variant type: single nucleotide variant.
Coding change: c.4985G>A on transcript NM_001846.4 (MANE Select); coding-DNA position 4985, G replaced by A.
Protein change: p.Arg1662His; replaces arginine 1662 with histidine.
Molecular consequence: missense variant.
Genome position (GRCh38, 1-based): chr13:110,512,037, G>A. VCF-style: chr13-110512037-G-A. GRCh37 (hg19) VCF-style: chr13-111164384-G-A.
Other names: c.4985G>A (NM_001846.3); short protein forms R1662H.
Identifiers: ClinVar variation 311194 (VCV000311194.14), dbSNP rs200192119, ClinGen allele CA7050733.